The following is an entry in ClinVar:

NM_004656.4(BAP1):c.1446G>T (p.Ser482=)

Gene: BAP1 (BRCA1 associated deubiquitinase 1; minus strand). Cytogenetic location: 3p21.1.
Variant type: single nucleotide variant.
Coding change: c.1446G>T on transcript NM_004656.4 (MANE Select); coding-DNA position 1446, G replaced by T.
Protein change: p.Ser482=; no amino-acid change (serine 482 retained).
Molecular consequence: synonymous variant.
Genome position (GRCh38, 1-based): chr3:52,403,699, C>A on the plus strand (G>T on the coding strand, the complement: BAP1 is on the minus strand). VCF-style: chr3-52403699-C-A. GRCh37 (hg19) VCF-style: chr3-52437715-C-A.
Other names: c.1392G>T, p.Ser464= (NM_001410772.1).
Identifiers: ClinVar variation 1772806 (VCV001772806.3), dbSNP rs768062289, ClinGen allele CA433886293.

ClinVar aggregate classification (germline): Benign/Likely benign. Review status: criteria provided, multiple submitters, no conflicts (2 of 4 stars). 2 submissions from 2 submitters: Benign (1); Likely benign (1). Last evaluated 2024-07-16.

Conditions:
Hereditary cancer-predisposing syndrome. Also called: Hereditary Cancer Syndrome; Hereditary neoplastic syndrome; Neoplastic Syndromes, Hereditary; Tumor predisposition. Identifiers: Orphanet 140162, MedGen C0027672, MeSH D009386, MONDO:0015356.
BAP1-related tumor predisposition syndrome (TPDS1). Also called: COMMON Syndrome; TUMOR PREDISPOSITION SYNDROME 1; BAP1 tumor predisposition syndrome; Tumor susceptibility linked to germline BAP1 mutations. Identifiers: Orphanet 289539, MedGen C3280492, MONDO:0013692, OMIM 614327.

Submissions (2):

Myriad Genetics, Inc.
Classification: Benign for BAP1-related tumor predisposition syndrome. Last evaluated: 2024-07-16. Review status: criteria provided, single submitter. Criteria: Myriad Autosomal Dominant, Autosomal Recessive and X-Linked Classification Criteria (2023). Collection method: clinical testing. Allele origin: unknown.
Comment: This variant is considered benign. This variant is a silent/synonymous amino acid change and it is not expected to impact splicing.

Ambry Genetics
Classification: Likely benign for Hereditary cancer-predisposing syndrome. Last evaluated: 2021-10-09. Review status: criteria provided, single submitter. Criteria: Ambry Variant Classification Scheme 2023. Collection method: clinical testing. Allele origin: germline.